The following is an entry in ClinVar:

NM_018671.5(UNC45A):c.1523C>T (p.Ala508Val)

Gene: UNC45A (unc-45 myosin chaperone A; plus strand). Cytogenetic location: 15q26.1.
Variant type: single nucleotide variant.
Coding change: c.1523C>T on transcript NM_018671.5 (MANE Select); coding-DNA position 1523, C replaced by T.
Protein change: p.Ala508Val; replaces alanine 508 with valine.
Molecular consequence: missense variant.
Genome position (GRCh38, 1-based): chr15:90,947,818, C>T. VCF-style: chr15-90947818-C-T. GRCh37 (hg19) VCF-style: chr15-91491048-C-T.
Other names: c.1478C>T, p.Ala493Val (NM_001039675.2, NM_001323621.2); c.1523C>T, p.Ala508Val (NM_001323619.1); c.1088C>T, p.Ala363Val (NM_001323620.2); short protein forms A363V, A493V, A508V.
Identifiers: ClinVar variation 1482877 (VCV001482877.6), dbSNP rs1241721376, ClinGen allele CA393857161.

ClinVar aggregate classification (germline): Uncertain significance (1 of 4 stars; one submission).

Submission:

Labcorp Genetics (formerly Invitae), Labcorp
Classification: Uncertain significance. Last evaluated: 2020-11-18. Review status: criteria provided, single submitter. Criteria: Invitae Variant Classification Sherloc (09022015). Collection method: clinical testing. Allele origin: germline.
Comment: This sequence change replaces alanine with valine at codon 508 of the UNC45A protein (p.Ala508Val). The alanine residue is highly conserved and there is a small physicochemical difference between alanine and valine. This variant is not present in population databases (ExAC no frequency). This variant has not been reported in the literature in individuals with UNC45A-related conditions. Algorithms developed to predict the effect of missense changes on protein structure and function are either unavailable or do not agree on the potential impact of this missense change (SIFT: "Not Available"; PolyPhen-2: "Possibly Damaging"; Align-GVGD: "Not Available"). In summary, the available evidence is currently insufficient to determine the role of this variant in disease. Therefore, it has been classified as a Variant of Uncertain Significance.